The following is an entry in ClinVar:

NM_024884.3(L2HGDH):c.467G>T (p.Gly156Val)

Gene: L2HGDH (L-2-hydroxyglutarate dehydrogenase; minus strand). Cytogenetic location: 14q21.3.
Variant type: single nucleotide variant.
Coding change: c.467G>T on transcript NM_024884.3 (MANE Select); coding-DNA position 467, G replaced by T.
Protein change: p.Gly156Val; replaces glycine 156 with valine.
Molecular consequence: missense variant. On other transcripts: 5 prime UTR variant (4).
Genome position (GRCh38, 1-based): chr14:50,294,188, C>A on the plus strand (G>T on the coding strand, the complement: L2HGDH is on the minus strand). VCF-style: chr14-50294188-C-A. GRCh37 (hg19) VCF-style: chr14-50760906-C-A.
Other names: c.467G>T, p.Gly156Val (NM_001425212.1); c.356G>T, p.Gly119Val (NM_001425213.1, NM_001425214.1); c.-159G>T (NM_001425215.1, NM_001425218.1); c.-80G>T (NM_001425216.1); c.-237G>T (NM_001425217.1); short protein forms G119V, G156V.
Identifiers: ClinVar variation 4292202 (VCV004292202.1).

ClinVar aggregate classification (germline): Likely pathogenic (1 of 4 stars; one submission).

Conditions:
L-2-hydroxyglutaric aciduria (L2HGA). Identifiers: Orphanet 79314, MedGen C1855995, MONDO:0009370, OMIM 236792, HP:0040144.

Submission:

3billion
Classification: Likely pathogenic for L-2-hydroxyglutaric aciduria. Last evaluated: 2024-12-26. Review status: criteria provided, single submitter. Criteria: ACMG Guidelines, 2015. Collection method: clinical testing. Allele origin: germline. Affected: yes.
Comment: The variant is not observed in the gnomAD v4.1.0 dataset. Predicted Consequence/Location: Missense variant In silico tool predictions suggest damaging effect of the variant on gene or gene product [REVEL: 0.90 (>=0.6, sensitivity 0.68 and specificity 0.92)]. The same nucleotide change resulting in the same amino acid change has been previously reported to be associated with L2HGDH-related disorder (PMID: 18415700).The variant has been reported to co-segregate with the disease in at least 3 similarly affected relatives/individuals in the same family or similarly affected unrelated family (PMID: 18415700). Therefore, this variant is classified as Likely pathogenic according to the recommendation of ACMG/AMP guideline.

Literature cited by the submitters: PubMed 18415700.